The following is an entry in ClinVar:

ClinVar aggregate classification (germline): Uncertain significance (1 of 4 stars; one submission).

gnomAD v4.1: 2 of 1,344,900 alleles (0.00015%); highest among the groups gnomAD compares: Non-Finnish European, 0.00019%; no homozygotes.

Submission:

GeneDx
Classification: Uncertain significance. Last evaluated: 2025-04-05. Review status: criteria provided, single submitter. Criteria: GeneDx Variant Classification Process June 2021. Collection method: clinical testing. Allele origin: germline. Affected: yes.
Comment: Not observed at significant frequency in large population cohorts (gnomAD); In silico analysis supports that this missense variant has a deleterious effect on protein structure/function; Has not been previously published as pathogenic or benign to our knowledge

NM_014334.4(FRRS1L):c.178G>T (p.Asp60Tyr)

Gene: FRRS1L (ferric chelate reductase 1 like; minus strand). Cytogenetic location: 9q31.3.
Variant type: single nucleotide variant.
Coding change: c.178G>T on transcript NM_014334.4 (MANE Select); coding-DNA position 178, G replaced by T.
Protein change: p.Asp60Tyr; replaces aspartic acid 60 with tyrosine.
Molecular consequence: missense variant.
Genome position (GRCh38, 1-based): chr9:109,166,961, C>A on the plus strand (G>T on the coding strand, the complement: FRRS1L is on the minus strand). VCF-style: chr9-109166961-C-A. GRCh37 (hg19) VCF-style: chr9-111929241-C-A.
Other names: short protein forms D60Y.
Identifiers: ClinVar variation 4278920 (VCV004278920.1).